The following is an entry in ClinVar:

ClinVar aggregate classification (germline): Conflicting classifications of pathogenicity. Review status: criteria provided, conflicting classifications (1 of 4 stars). 7 submissions from 7 submitters: Uncertain significance (1); Likely benign (5). 1 of the submissions does not count toward it. Last evaluated 2024-11-21.

Conditions:
TRIO-related disorder. Also called: TRIO-related condition; TRIO-related disorders.
Inborn genetic diseases. Identifiers: MedGen C0950123, MeSH D030342.
Intellectual developmental disorder, autosomal dominant 63, with macrocephaly. Also called: MENTAL RETARDATION, AUTOSOMAL DOMINANT 63, WITH MACROCEPHALY. Identifiers: MedGen C5394205, MONDO:0032939, OMIM 618825.

Allele frequency attached by ClinVar (database versions not stated): ESP Exome Variant Server 0.00031; gnomAD 0.00037 and 0.00040; 1000 Genomes Project 0.00040; ExAC 0.00040; gnomAD exomes 0.00040; TOPMed 0.00041; 1000 Genomes Project 30x 0.00047.
gnomAD v4.1: 995 of 1,612,732 alleles (0.062%); highest among the groups gnomAD compares: Non-Finnish European, 0.078%; 1 homozygote.

Submissions (7):

Blueprint Genetics
Classification: Likely benign. Last evaluated: 2024-11-21. Review status: criteria provided, single submitter. Criteria: ACMG Guidelines, 2015. Collection method: clinical testing. Allele origin: germline.

CeGaT Center for Human Genetics Tuebingen
Classification: Likely benign. Last evaluated: 2022-06-01. Review status: criteria provided, single submitter. Criteria: CeGaT Center For Human Genetics Tuebingen Variant Classification Criteria Version 2. Collection method: clinical testing. Allele origin: germline. Affected: yes. Observed: 1 variant allele.
Comment: TRIO: BS2

Ambry Genetics
Classification: Likely benign for Inborn genetic diseases. Last evaluated: 2021-09-17. Review status: criteria provided, single submitter. Criteria: Ambry Variant Classification Scheme 2023. Collection method: clinical testing. Allele origin: germline.

Pittsburgh Clinical Genomics Laboratory, University of Pittsburgh Medical Center
Classification: Uncertain significance for Intellectual developmental disorder, autosomal dominant 63, with macrocephaly. Last evaluated: 2021-06-11. Review status: criteria provided, single submitter. Criteria: ACMG Guidelines, 2015. Collection method: clinical testing. Allele origin: germline. Inheritance: Autosomal dominant inheritance. Affected: yes.
Comment: This sequence change is a single nucleotide substitution (G>A) that results in an alanine to threonine amino acid substitution at position 1997 of the TRIO protein. This variant has not been previously reported to clinical classified variant databases (ClinVar) or in patients in the literature, to our knowledge. This variant is present in control population datasets (gnomAD database 107/282826 alleles or 0.03%). The A1997 residue is well conserved across the vertebrate species examined; however, bioinformatic tools do not agree as to whether this variant would be tolerated or damaging. This variant is situated within the GEFD2 domain which is important for the regulation of RHOA by TRIO (PMID: 32109419). Functiol studies examining the effect of this variant on protein structure or activity have not been performed, to our knowledge. At this time, there is insufficient evidence to determine if this variant is pathogenic or benign. Therefore, we consider this to be a variant of uncertain significance. ACMG Criteria: BS4

GeneDx
Classification: Likely benign. Last evaluated: 2020-12-15. Review status: criteria provided, single submitter. Criteria: GeneDx Variant Classification Process June 2021. Collection method: clinical testing. Allele origin: germline. Affected: yes.

Breakthrough Genomics
Classification: Likely benign. Review status: criteria provided, single submitter. Criteria: ACMG Guidelines, 2015. Collection method: not provided. Allele origin: germline. Inheritance: Autosomal dominant inheritance. Affected: yes.

PreventionGenetics, part of Exact Sciences
Classification: Likely benign for TRIO-related condition. Last evaluated: 2022-11-09. Review status: no assertion criteria provided. Collection method: clinical testing. Allele origin: germline. Not counted in ClinVar's aggregate classification.
Comment: This variant is classified as likely benign based on ACMG/AMP sequence variant interpretation guidelines (Richards et al. 2015 PMID: 25741868, with internal and published modifications).

Literature cited by the submitters: PubMed 32109419 (cited by Pittsburgh Clinical Genomics Laboratory, University of Pittsburgh Medical Center).

NM_007118.4(TRIO):c.5989G>A (p.Ala1997Thr)

Gene: TRIO (trio Rho guanine nucleotide exchange factor; plus strand). Cytogenetic location: 5p15.2.
Variant type: single nucleotide variant.
Coding change: c.5989G>A on transcript NM_007118.4 (MANE Select); coding-DNA position 5989, G replaced by A.
Protein change: p.Ala1997Thr; replaces alanine 1997 with threonine.
Molecular consequence: missense variant. On other transcripts: non-coding transcript variant (1).
Genome position (GRCh38, 1-based): chr5:14,474,003, G>A. VCF-style: chr5-14474003-G-A. GRCh37 (hg19) VCF-style: chr5-14474112-G-A.
Other names: c.5989G>A (NM_007118.3); short protein forms A1997T.
Identifiers: ClinVar variation 1185726 (VCV001185726.40), dbSNP rs114451941, ClinGen allele CA3206935.